The following is an entry in ClinVar:

ClinVar aggregate classification (germline): Uncertain significance (1 of 4 stars; one submission).

Allele frequency attached by ClinVar (database versions not stated): gnomAD exomes 0.00001; ExAC 0.00003; gnomAD 0.00003; TOPMed 0.00003; ESP Exome Variant Server 0.00015.

Submission:

Labcorp Genetics (formerly Invitae), Labcorp
Classification: Uncertain significance. Last evaluated: 2025-01-13. Review status: criteria provided, single submitter. Criteria: Invitae Variant Classification Sherloc (09022015). Collection method: clinical testing. Allele origin: germline.
Comment: This sequence change falls in intron 9 of the CDT1 gene. It does not directly change the encoded amino acid sequence of the CDT1 protein. It affects a nucleotide within the consensus splice site. This variant is present in population databases (rs377758402, gnomAD 0.01%). This variant has not been reported in the literature in individuals affected with CDT1-related conditions. ClinVar contains an entry for this variant (Variation ID: 2193962). Variants that disrupt the consensus splice site are a relatively common cause of aberrant splicing (PMID: 17576681, 9536098). Algorithms developed to predict the effect of sequence changes on RNA splicing suggest that this variant may disrupt the consensus splice site. In summary, the available evidence is currently insufficient to determine the role of this variant in disease. Therefore, it has been classified as a Variant of Uncertain Significance.

Literature cited by the submitters: PubMed 17576681; PubMed 9536098.

NM_030928.4(CDT1):c.1477+5G>A

Gene: CDT1 (chromatin licensing and DNA replication factor 1; plus strand). Cytogenetic location: 16q24.3.
Variant type: single nucleotide variant.
Coding change: c.1477+5G>A on transcript NM_030928.4 (MANE Select); 5 bases into the intron after coding-DNA position 1477, G replaced by A.
Molecular consequence: intron variant.
Genome position (GRCh38, 1-based): chr16:88,807,487, G>A. VCF-style: chr16-88807487-G-A. GRCh37 (hg19) VCF-style: chr16-88873895-G-A.
Identifiers: ClinVar variation 2193962 (VCV002193962.4), dbSNP rs377758402, ClinGen allele CA8234178.